The following is an entry in ClinVar:

NM_007294.4(BRCA1):c.5578dup (p.His1860fs)

Gene: BRCA1 (BRCA1 DNA repair associated; minus strand). Cytogenetic location: 17q21.31.
Variant type: Duplication.
Coding change: c.5578dup on transcript NM_007294.4 (MANE Select); coding-DNA position 5578, one base duplicated (C; older notation c.5578dupC).
Protein change: p.His1860fs; shifts the reading frame from histidine 1860.
Molecular consequence: frameshift variant. On other transcripts: 3 prime UTR variant (1), non-coding transcript variant (1).
Genome position (GRCh38, 1-based): chr17:43,045,692, G duplicated on the plus strand (C on the coding strand, the reverse complement: BRCA1 is on the minus strand); the first of 5 consecutive G bases (chr17:43,045,692-43,045,696); duplicating any one gives the same sequence. VCF-style (leftmost placement, unchanged base first): chr17-43045691-T-TG. GRCh37 (hg19) VCF-style: chr17-41197708-T-TG.
Other names: 5697insC; c.5578dup, p.His1860fs (NM_007294.3); c.5578dupC (NM_007294.3); c.5574dup, p.His1860Profs (NM_001407602.1, NM_001407603.1, NM_001407605.1 and 5 more transcripts); c.5571dup, p.His1859Profs (NM_001407610.1, NM_001407611.1, NM_001407612.1 and 14 more transcripts); c.5568dup, p.His1858Profs (NM_001407627.1, NM_001407628.1, NM_001407629.1 and 13 more transcripts); c.2262dup, p.His756Profs (NM_007298.4, NM_007304.2, NM_001407979.1 and 11 more transcripts); c.*92dup (NM_007299.4); and 80 more; short protein forms H756fs, H1813fs, H1860fs, H1881fs.
Identifiers: ClinVar variation 37683 (VCV000037683.32), dbSNP rs397507254, ClinGen allele CA003730.
Genomic context (GRCh38, chr17:43,045,691, plus strand): 5'-AGCTCATTCTTGGGGTCCTGTGGCTCTGTACCTGTGGCTGGCTGCAGTCAGTAGTGGCTG[T>TG]GGGGGATCTGGGGTATCAGGTAGGTGTCCAGCTCCTGGCACTGGTAGAGTGCTACACTGT-3'

ClinVar aggregate classification (germline): Conflicting classifications of pathogenicity. Review status: criteria provided, conflicting classifications (1 of 4 stars). 10 submissions from 10 submitters: Uncertain significance (8); Likely benign (1). 1 of the submissions does not count toward it. Last evaluated 2025-11-17.

Conditions:
Fanconi anemia, complementation group S (FANCS). Identifiers: MedGen C4554406, MONDO:0054748, OMIM 617883.
Hereditary cancer-predisposing syndrome. Also called: Tumor predisposition; Neoplastic Syndromes, Hereditary; Hereditary Cancer Syndrome; Hereditary neoplastic syndrome. Identifiers: Orphanet 140162, MedGen C0027672, MeSH D009386, MONDO:0015356.
Hereditary breast ovarian cancer syndrome. Also called: Hereditary breast and ovarian cancer syndrome (HBOC); Hereditary breast and ovarian cancer syndrome; Hereditary breast and ovarian cancer; Hereditary breast and/or ovarian cancer syndrome; Breast and ovarian cancer; BRCA1- and BRCA2-Associated Hereditary Breast and Ovarian Cancer. Identifiers: Orphanet 145, MedGen C0677776, MeSH D061325, MONDO:0003582. Disease mechanism: loss of function.
Breast-ovarian cancer, familial, susceptibility to, 1 (BROVCA1). Also called: OVARIAN CANCER, SUSCEPTIBILITY TO; BRCA1 Hereditary Breast and Ovarian Cancer. Identifiers: Orphanet 145, MedGen C2676676, MONDO:0011450, OMIM 604370. Disease mechanism: loss of function.

Submissions (10):

Labcorp Genetics (formerly Invitae), Labcorp
Classification: Uncertain significance for Hereditary breast ovarian cancer syndrome. Last evaluated: 2025-11-17. Review status: criteria provided, single submitter. Criteria: Invitae Variant Classification Sherloc (09022015). Collection method: clinical testing. Allele origin: germline.
Comment: This sequence change is expected to alter the c-terminus of the BRCA1 protein (p.His1860Profs*20). While this is not anticipated to result in nonsense mediated decay, it is expected to disrupt the last 4 amino acid(s) of the BRCA1 protein and extend the protein by 15 additional amino acid residues. The frequency data for this variant in the population databases is considered unreliable, as metrics indicate poor data quality at this position in the gnomAD database. This frameshift has been observed in individual(s) with colorectal cancer or ovarian tumor(s) (PMID: 30322717, 31360874, 37718511). ClinVar contains an entry for this variant (Variation ID: 37683). Algorithms developed to predict the effect of variants on gene product structure and function are not available or were not evaluated for this variant. Experimental studies have shown that this frameshift does not substantially affect BRCA1 function (PMID: 37718511). In summary, the available evidence is currently insufficient to determine the role of this variant in disease. Therefore, it has been classified as a Variant of Uncertain Significance.

GeneDx
Classification: Uncertain significance. Last evaluated: 2025-01-08. Review status: criteria provided, single submitter. Criteria: GeneDx Variant Classification Process June 2021. Collection method: clinical testing. Allele origin: germline. Affected: yes.
Comment: Frameshift variant predicted to result in abnormal protein length as the last 4 amino acids are replaced with 19 different amino acids; Observed in an individual with epithelial ovarian cancer (PMID: 37718511); Logistical regression analysis used to predict carrier status based on personal and family history of cancer yielded 10:1 odds against pathogenicity (PMID: 31853058); Not observed at significant frequency in large population cohorts (gnomAD); Also known as 5697dup; This variant is associated with the following publications: (PMID: 24784157, 30322717, 10220405, 24389207, 10196224, 9738006, 9811458, 9926942, 9974970, 9159119, 11301010, 30765603, 37718511, 31853058, 31360874)

Quest Diagnostics Nichols Institute San Juan Capistrano
Classification: Uncertain significance. Last evaluated: 2024-03-13. Review status: criteria provided, single submitter. Criteria: Quest Diagnostics criteria. Collection method: clinical testing. Allele origin: unknown.
Comment: The BRCA1 c.5578dup (p.His1860Profs*20) variant disrupts the translation stop codon of the BRCA1 mRNA and is predicted to cause BRCA1 protein elongation. This variant has been reported in the published literature in an individual with ovarian cancer (PMID: 30322717 (2018)) and in an undiagnosed individual (PMID: 24784157 (2014)). A study based on personal and family histories of five index cases with this variant reported that this variant had high odds against pathogenicity (PMID: 31853058 (2020)). Additionally, a functional study suggests that the variant is not damaging to protein function (PMID: 31853058 (2020)). The frequency of this variant in the general population, 0.000004 (1/247040 chromosomes (Genome Aggregation Database)), is uninformative in the assessment of its pathogenicity. Based on the available information, we are unable to determine the clinical significance of this variant.

Baylor Genetics
Classification: Uncertain significance for Breast-ovarian cancer, familial, susceptibility to, 1. Last evaluated: 2023-08-24. Review status: criteria provided, single submitter. Criteria: ACMG Guidelines, 2015. Collection method: clinical testing. Allele origin: unknown.

Ambry Genetics
Classification: Likely benign for Hereditary cancer-predisposing syndrome. Last evaluated: 2023-01-25. Review status: criteria provided, single submitter. Criteria: Ambry Variant Classification Scheme 2023. Collection method: clinical testing. Allele origin: germline.

Women's Health and Genetics/Laboratory Corporation of America, LabCorp
Classification: Uncertain significance. Last evaluated: 2022-08-10. Review status: criteria provided, single submitter. Criteria: LabCorp Variant Classification Summary - May 2015. Collection method: clinical testing. Allele origin: germline.
Comment: Variant summary: BRCA1 c.5578dupC (p.His1860ProfsX20) causes a frameshift which results in an extension of the protein. This variant is located in the last exon and is unlikely to trigger nonsense mediated decay, but is predicted to replace the last 4 amino acids including the termination codon with 19 amino acids ending at a newly created stop signal, lengthening the C-terminus of the protein. The variant allele was found at a frequency of 4e-06 in 247040 control chromosomes (gnomAD). The available data on variant occurrences in the general population are insufficient to allow any conclusion about variant significance. c.5578dupC has been reported in the literature in an individual with Ovarian cancer undergoing multigene NGS panel testing (Carter_2018), as a reportable incidental variant in an individual tested by exome sequencing in the NIH Undiagnosed Diseases Program (Lawrence_2015), with a high odds against pathogenicity in 5 index cases tested by multigene panel testing (Li_2019), as a VUS in an individual with colorectal cancer (Toh_2018). These reports do not provide unequivocal conclusions about association of the variant with Hereditary Breast and Ovarian Cancer. To our knowledge, no experimental evidence demonstrating an impact on protein function has been reported for this variant. A study performed in yeast suggests that amino acids from position 1855 of the protein to the C-terminal are dispensible for protein activation (Hayes_2000), however it is not clear how these findings would translate to human cells and additional functional studies are needed to substantiate these findings. Six clinical diagnostic laboratories have submitted clinical-significance assessments for this variant to ClinVar after 2014 without evidence for independent evaluation. All laboratories classified the variant as uncertain significance. Some submitters cite overlapping evidence utilized in the context of this evaluation. Based on the evidence outlined above, the variant was classified as uncertain significance.

Department of Pathology and Laboratory Medicine, Sinai Health System
Classification: Uncertain significance for Fanconi anemia, complementation group S. Last evaluated: 2022-07-14. Review status: criteria provided, single submitter. Criteria: ACMG Guidelines, 2015. Collection method: clinical testing. Allele origin: germline. Affected: yes.

Sema4
Classification: Uncertain significance for Hereditary cancer-predisposing syndrome. Last evaluated: 2021-12-29. Review status: criteria provided, single submitter. Criteria: Sema4 Curation Guidelines. Collection method: curation. Allele origin: germline.
Comment: The BRCA1 c.5578dup (p.H1860PfsX20) has been reported in at least one individual with ovarian cancer and at least one individual with colorectal cancer (PMID: 30322717, 31360874). It is also known as c.5437dupC in the literature. This variant causes a frameshift at amino acid 1860 that results in the elongation of the protein by 16 amino acids. At this location, nonsense-mediated decay is not expected. This variant has been reported in 1/247040 chromosomes in the large and broad cohorts of the Genome Aggregation Database (PMID: 32461654) and has been reported in ClinVar (Variation ID: 37683). The evidence is insufficient to meet ACMG/AMP criteria for classifying the variant as benign or pathogenic. Thus, the clinical significance of this variant is currently uncertain.

Color Diagnostics, LLC DBA Color Health
Classification: Uncertain significance for Hereditary cancer-predisposing syndrome. Last evaluated: 2021-06-01. Review status: criteria provided, single submitter. Criteria: ACMG Guidelines, 2015. Collection method: clinical testing. Allele origin: germline.
Comment: This variant inserts 1 nucleotide in exon 23 of the BRCA1 gene, creating a frameshift in the last coding exon. This variant is not expected to trigger nonsense-mediated decay and it causes a frameshift after the BRCT domain (PMID: 11573086, 20516115, 30765603). This variant has been reported in an individual affected with ovarian cancer (PMID: 30322717) and the clinical history of five carriers has been calculated to a likelihood ratio for pathogenicity of 0.090 (PMID: 31853058). This variant has not been identified in the general population by the Genome Aggregation Database (gnomAD). The available evidence is insufficient to determine the role of this variant in disease conclusively. Therefore, this variant is classified as a Variant of Uncertain Significance.

Sharing Clinical Reports Project (SCRP)
Classification: Likely pathogenic for Breast-ovarian cancer, familial 1. Last evaluated: 2006-07-25. Review status: no assertion criteria provided. Collection method: clinical testing. Allele origin: germline. Not counted in ClinVar's aggregate classification.

Literature cited by the submitters: PubMed 30322717 (cited by 4 submitters); PubMed 31360874 (cited by 3 submitters); PubMed 37718511 (cited by Labcorp Genetics (formerly Invitae), Labcorp and Quest Diagnostics Nichols Institute San Juan Capistrano); PubMed 31853058 (cited by Quest Diagnostics Nichols Institute San Juan Capistrano and Women's Health and Genetics/Laboratory Corporation of America, LabCorp); PubMed 24784157 (cited by 3 submitters); PubMed 20516115 (cited by Ambry Genetics and Women's Health and Genetics/Laboratory Corporation of America, LabCorp); PubMed 28781887 (cited by Ambry Genetics); PubMed 30765603 (cited by Ambry Genetics); PubMed 10811118 (cited by Women's Health and Genetics/Laboratory Corporation of America, LabCorp).